The following is an entry in ClinVar:

ClinVar aggregate classification (germline): Pathogenic/Likely pathogenic. Review status: criteria provided, multiple submitters, no conflicts (2 of 4 stars). 5 submissions from 5 submitters: Pathogenic (2); Likely pathogenic (1). 2 of the submissions do not count toward it. Last evaluated 2025-06-09.

Conditions:
Dilated cardiomyopathy 1G (CMD1G). Identifiers: Orphanet 154, MedGen C1858763, MONDO:0011400, OMIM 604145.
Autosomal recessive limb-girdle muscular dystrophy type 2J (LGMDR10). Also called: MUSCULAR DYSTROPHY, LIMB-GIRDLE, AUTOSOMAL RECESSIVE 10; Limb-girdle muscular dystrophy, type 2J. Identifiers: Orphanet 140922, MedGen C1837342, MONDO:0012127, OMIM 608807.
Cardiovascular phenotype. Identifiers: MedGen CN230736.

Allele frequency attached by ClinVar (database versions not stated): gnomAD exomes below 0.00001.
gnomAD v4.1: 2 of 1,612,820 alleles (0.00012%); highest among the groups gnomAD compares: South Asian, 0.0022%; no homozygotes.

Submissions (5):

Labcorp Genetics (formerly Invitae), Labcorp
Classification: Likely pathogenic for Dilated cardiomyopathy 1G; Autosomal recessive limb-girdle muscular dystrophy type 2J. Last evaluated: 2025-06-09. Review status: criteria provided, single submitter. Criteria: Invitae Variant Classification Sherloc (09022015). Collection method: clinical testing. Allele origin: germline.
Comment: This sequence change creates a premature translational stop signal (p.Arg21209*) in the TTN gene. While this is not anticipated to result in nonsense mediated decay, it is expected to create a truncated TTN protein. This variant is present in population databases (rs794729279, gnomAD 0.003%). This premature translational stop signal has been observed in individual(s) with clinical features of TTN-related conditions (PMID: 26627873, 27532257, 27813223, 31112426, 32403337; internal data). ClinVar contains an entry for this variant (Variation ID: 202398). This variant is located in the A band of TTN (PMID: 25589632). Truncating variants in this region are significantly overrepresented in patients affected with dilated cardiomyopathy (PMID: 25589632). Truncating variants in this region have also been reported in individuals affected with autosomal recessive centronuclear myopathy (PMID: 23975875). In summary, the currently available evidence indicates that the variant is pathogenic, but additional data are needed to prove that conclusively. Therefore, this variant has been classified as Likely Pathogenic.

Ambry Genetics
Classification: Pathogenic for Cardiovascular phenotype. Last evaluated: 2024-01-09. Review status: criteria provided, single submitter. Criteria: Ambry Variant Classification Scheme 2023. Collection method: clinical testing. Allele origin: germline.
Comment: The p.R12144* pathogenic mutation (also known as c.36430C>T), located in coding exon 133 of the TTN gene, results from a C to T substitution at nucleotide position 36430. This changes the amino acid from an arginine to a stop codon within coding exon 133. This exon is located in the A-band region of the N2-B isoform of the titin protein and is constitutively expressed in TTN transcripts (percent spliced in or PSI 100%). This alteration has been reported in association with dilated cardiomyopathy (DCM) and other TTN-related conditions (Evil&auml; A et al. Neuromuscul Disord, 2016 Jan;26:7-15; Jansweijer JA et al. Eur J Heart Fail, 2017 Apr;19:512-521; Walsh R et al. Genet Med, 2017 Feb;19:192-203; Gonzalez-Quereda L et al. Genes (Basel), 2020 May;11:). This variant is also considered to be rare based on population cohorts in the Genome Aggregation Database (gnomAD). This alteration is expected to result in loss of function by premature protein truncation or nonsense-mediated mRNA decay. While truncating variants in TTN are present in 1-3% of the general population, truncating variants in the A-band are the most common cause of dilated cardiomyopathy (DCM) (Herman DS et al. N. Engl. J. Med., 2012 Feb;366:619-28; Roberts AM et al. Sci Transl Med, 2015 Jan;7:270ra6). TTN truncating variants encoded in constitutive exons (PSI >90%) have been found to be significantly associated with DCM regardless of their position in titin (Schafer S et al. Nat. Genet., 2017 01;49:46-53). Based on the supporting evidence, this alteration is interpreted as a disease-causing mutation.

GeneDx
Classification: Pathogenic. Last evaluated: 2014-04-03. Review status: criteria provided, single submitter. Criteria: GeneDx Variant Classification (06012015). Collection method: clinical testing. Allele origin: germline. Affected: yes.
Comment: p.Arg19568Stop (CGA>TGA): c.58702 C>T in exon 256 of the TTN gene (NM_001256850.1). The R19568X mutation in the TTN gene has not been reported as a disease-causing mutation or as a benign polymorphism to our knowledge. R19568X is predicted to cause loss of normal protein function either by protein truncation or nonsense-mediated mRNA decay. Other truncating TTN variants have been reported in approximately 3% of control alleles (Herman D et al., 2012). However, R19568X is located in the A-band region of titin, where the majority of truncating mutations associated with DCM have been reported (Herman D et al., 2012). In summary, R19568X in the TTN gene is interpreted as a disease-causing mutation. The variant is found in CARDIOMYOPATHY panel(s).

Clinical Genetics, Academic Medical Center
Classification: Likely pathogenic. Review status: no assertion criteria provided. Collection method: clinical testing. Allele origin: germline. Affected: yes. Study: VKGL Data-share Consensus. Not counted in ClinVar's aggregate classification.

Genome Diagnostics Laboratory, University Medical Center Utrecht
Classification: Likely pathogenic. Review status: no assertion criteria provided. Collection method: clinical testing. Allele origin: germline. Affected: yes. Study: VKGL Data-share Consensus. Not counted in ClinVar's aggregate classification.

Literature cited by the submitters: PubMed 26627873 (cited by Labcorp Genetics (formerly Invitae), Labcorp and Ambry Genetics); PubMed 27532257 (cited by Labcorp Genetics (formerly Invitae), Labcorp and Ambry Genetics); PubMed 27813223 (cited by Labcorp Genetics (formerly Invitae), Labcorp and Ambry Genetics); PubMed 31112426 (cited by Labcorp Genetics (formerly Invitae), Labcorp); PubMed 32403337 (cited by Labcorp Genetics (formerly Invitae), Labcorp and Ambry Genetics); PubMed 25589632 (cited by Labcorp Genetics (formerly Invitae), Labcorp); PubMed 23975875 (cited by Labcorp Genetics (formerly Invitae), Labcorp).

NM_001267550.2(TTN):c.63625C>T (p.Arg21209Ter)

Genes: TTN (titin; minus strand), TTN-AS1 (TTN antisense RNA 1; plus strand). Cytogenetic location: 2q31.2.
Variant type: single nucleotide variant.
Coding change: c.63625C>T on transcript NM_001267550.2 (MANE Select); coding-DNA position 63625, C replaced by T.
Protein change: p.Arg21209Ter; replaces arginine 21209 with a stop codon.
Molecular consequence: nonsense.
Genome position (GRCh38, 1-based): chr2:178,587,684, G>A on the plus strand (C>T on the coding strand, the complement: TTN is on the minus strand). VCF-style: chr2-178587684-G-A. GRCh37 (hg19) VCF-style: chr2-179452411-G-A.
Other names: p.R19568*:CGA>TGA; c.58702C>T, p.Arg19568Ter (NM_001256850.1); c.36430C>T, p.Arg12144Ter (NM_003319.4); c.55921C>T, p.Arg18641Ter (NM_133378.4); c.36805C>T, p.Arg12269Ter (NM_133432.3); c.37006C>T, p.Arg12336Ter (NM_133437.4); short protein forms R19568*, R21209*, R18641*, R12144*, R12269*, R12336*.
Identifiers: ClinVar variation 202398 (VCV000202398.15), dbSNP rs794729279, ClinGen allele CA309293.